The following is an entry in ClinVar:

ClinVar aggregate classification (germline): Uncertain significance (1 of 4 stars; one submission).

Conditions:
KIDINS220-related disorder. Also called: KIDINS220-related condition.

gnomAD v4.1: 4 of 1,536,160 alleles (0.00026%); highest among the groups gnomAD compares: Non-Finnish European, 0.00035%; no homozygotes.

Submission:

PreventionGenetics, part of Exact Sciences
Classification: Uncertain significance for KIDINS220-related condition. Last evaluated: 2026-04-19. Review status: criteria provided, single submitter. Criteria: ACMG Guidelines, 2015. Collection method: clinical testing. Allele origin: germline.
Comment: The KIDINS220 c.3528+7A>G variant is predicted to interfere with splicing. To our knowledge, this variant has not been reported in the literature. This variant is reported in 0.00097% of alleles in individuals of European (Non-Finnish) descent in gnomAD. At this time, the clinical significance of this variant is uncertain due to the absence of conclusive functional and genetic evidence.

NM_020738.4(KIDINS220):c.3528+7A>G

Gene: KIDINS220 (kinase D interacting substrate 220; minus strand). Cytogenetic location: 2p25.1.
Variant type: single nucleotide variant.
Coding change: c.3528+7A>G on transcript NM_020738.4 (MANE Select); 7 bases into the intron after coding-DNA position 3528, A replaced by G.
Molecular consequence: intron variant.
Genome position (GRCh38, 1-based): chr2:8,747,880, T>C on the plus strand (A>G on the coding strand, the complement: KIDINS220 is on the minus strand). VCF-style: chr2-8747880-T-C. GRCh37 (hg19) VCF-style: chr2-8888010-T-C.
Other names: c.3414+2232A>G (NM_001348741.2, NM_001348742.2, NM_001348743.2 and 1 more transcripts); c.3528+7A>G (NM_001348738.2, NM_001348732.2); c.3417+2232A>G (NM_001348739.2, NM_001348740.2, NM_001348734.2); c.3531+7A>G (NM_001348731.2, NM_001348729.2); c.3288+2232A>G (NM_001348736.2).
Identifiers: ClinVar variation 4995506 (VCV004995506.1).